The following is an entry in ClinVar:

NM_001127644.2(GABRA1):c.202G>A (p.Val68Met)

Gene: GABRA1 (gamma-aminobutyric acid type A receptor subunit alpha1; plus strand). Cytogenetic location: 5q34.
Variant type: single nucleotide variant.
Coding change: c.202G>A on transcript NM_001127644.2 (MANE Select); coding-DNA position 202, G replaced by A.
Protein change: p.Val68Met; replaces valine 68 with methionine.
Molecular consequence: missense variant.
Genome position (GRCh38, 1-based): chr5:161,865,735, G>A. VCF-style: chr5-161865735-G-A. GRCh37 (hg19) VCF-style: chr5-161292741-G-A.
Other names: c.202G>A, p.Val68Met (NM_000806.5, NM_001127643.2, NM_001127645.2 and 1 more transcripts); short protein forms V68M.
Identifiers: ClinVar variation 3361733 (VCV003361733.1).

ClinVar aggregate classification (germline): Uncertain significance (1 of 4 stars; one submission).

Submission:

GeneDx
Classification: Uncertain significance. Last evaluated: 2023-08-07. Review status: criteria provided, single submitter. Criteria: GeneDx Variant Classification Process June 2021. Collection method: clinical testing. Allele origin: germline. Affected: yes.
Comment: Not observed at significant frequency in large population cohorts (gnomAD); In silico analysis supports that this missense variant has a deleterious effect on protein structure/function; Has not been previously published as pathogenic or benign to our knowledge